The following is an entry in ClinVar:

ClinVar aggregate classification (germline): Uncertain significance (1 of 4 stars; one submission).

Submission:

GeneDx
Classification: Uncertain significance. Last evaluated: 2025-02-05. Review status: criteria provided, single submitter. Criteria: GeneDx Variant Classification Process June 2021. Collection method: clinical testing. Allele origin: germline. Affected: yes.
Comment: Not observed at significant frequency in large population cohorts (gnomAD); In silico analysis indicates that this missense variant does not alter protein structure/function; Has not been previously published as pathogenic or benign to our knowledge

NM_014363.6(SACS):c.4596T>G (p.Asp1532Glu)

Gene: SACS (sacsin molecular chaperone; minus strand). Cytogenetic location: 13q12.12.
Variant type: single nucleotide variant.
Coding change: c.4596T>G on transcript NM_014363.6 (MANE Select); coding-DNA position 4596, T replaced by G.
Protein change: p.Asp1532Glu; replaces aspartic acid 1532 with glutamic acid.
Molecular consequence: missense variant.
Genome position (GRCh38, 1-based): chr13:23,339,280, A>C on the plus strand (T>G on the coding strand, the complement: SACS is on the minus strand). VCF-style: chr13-23339280-A-C. GRCh37 (hg19) VCF-style: chr13-23913419-A-C.
Other names: c.4155T>G, p.Asp1385Glu (NM_001278055.2); c.4623T>G, p.Asp1541Glu (NM_001437336.1); short protein forms D1385E, D1532E, D1541E.
Identifiers: ClinVar variation 4074556 (VCV004074556.1).